The following is an entry in ClinVar:

ClinVar aggregate classification (germline): Uncertain significance (1 of 4 stars; one submission).

Submission:

Dasa
Classification: Uncertain significance. Last evaluated: 2025-08-12. Review status: criteria provided, single submitter. Criteria: DASA Assertion Criteria. Collection method: clinical testing. Allele origin: germline.
Comment: NM_000702.4(ATP1A2):c.34G>A (p.Ala12Thr) is a missense variant that results in the substitution of alanine with threonine. Based on the available data, this variant is classified as variant of uncertain significance.

NM_000702.4(ATP1A2):c.34G>A (p.Ala12Thr)

Gene: ATP1A2 (ATPase Na+/K+ transporting subunit alpha 2; plus strand). Cytogenetic location: 1q23.2.
Variant type: single nucleotide variant.
Coding change: c.34G>A on transcript NM_000702.4 (MANE Select); coding-DNA position 34, G replaced by A.
Protein change: p.Ala12Thr; replaces alanine 12 with threonine.
Molecular consequence: missense variant.
Genome position (GRCh38, 1-based): chr1:160,120,927, G>A. VCF-style: chr1-160120927-G-A. GRCh37 (hg19) VCF-style: chr1-160090717-G-A.
Other names: short protein forms A12T.
Identifiers: ClinVar variation 4851899 (VCV004851899.1).